The following is an entry in ClinVar:

NM_000733.4(CD3E):c.439C>G (p.Leu147Val)

Gene: CD3E (CD3 epsilon subunit of T-cell receptor complex; plus strand). Cytogenetic location: 11q23.3.
Variant type: single nucleotide variant.
Coding change: c.439C>G on transcript NM_000733.4 (MANE Select); coding-DNA position 439, C replaced by G.
Protein change: p.Leu147Val; replaces leucine 147 with valine.
Molecular consequence: missense variant.
Genome position (GRCh38, 1-based): chr11:118,313,793, C>G. VCF-style: chr11-118313793-C-G. GRCh37 (hg19) VCF-style: chr11-118184508-C-G.
Other names: short protein forms L147V.
Identifiers: ClinVar variation 1388033 (VCV001388033.6), dbSNP rs748959958, ClinGen allele CA382784032.

ClinVar aggregate classification (germline): Uncertain significance (1 of 4 stars; one submission).

Conditions:
Immunodeficiency 18 (IMD18). Also called: CD3-EPSILON DEFICIENCY; CD3epsilon deficiency. Identifiers: MedGen C3810127, MONDO:0014278, OMIM 615615.

Submission:

Labcorp Genetics (formerly Invitae), Labcorp
Classification: Uncertain significance for Immunodeficiency 18. Last evaluated: 2021-12-10. Review status: criteria provided, single submitter. Criteria: Invitae Variant Classification Sherloc (09022015). Collection method: clinical testing. Allele origin: germline.
Comment: In summary, the available evidence is currently insufficient to determine the role of this variant in disease. Therefore, it has been classified as a Variant of Uncertain Significance. Algorithms developed to predict the effect of missense changes on protein structure and function output the following: SIFT: "Tolerated"; PolyPhen-2: "Benign"; Align-GVGD: "Class C0". The valine amino acid residue is found in multiple mammalian species, which suggests that this missense change does not adversely affect protein function. This variant has not been reported in the literature in individuals affected with CD3E-related conditions. This variant is not present in population databases (gnomAD no frequency). This sequence change replaces leucine, which is neutral and non-polar, with valine, which is neutral and non-polar, at codon 147 of the CD3E protein (p.Leu147Val).